The following is an entry in ClinVar:

ClinVar aggregate classification (germline): Uncertain significance (1 of 4 stars; one submission).

gnomAD v4.1: 1 of 1,614,130 alleles (0.000062%); highest among the groups gnomAD compares: South Asian, 0.0011%; no homozygotes.

Submission:

Labcorp Genetics (formerly Invitae), Labcorp
Classification: Uncertain significance. Last evaluated: 2024-03-20. Review status: criteria provided, single submitter. Criteria: Invitae Variant Classification Sherloc (09022015). Collection method: clinical testing. Allele origin: germline.
Comment: This sequence change replaces aspartic acid, which is acidic and polar, with histidine, which is basic and polar, at codon 997 of the TOPORS protein (p.Asp997His). This variant is present in population databases (no rsID available, gnomAD 0.003%). This variant has not been reported in the literature in individuals affected with TOPORS-related conditions. Experimental studies and prediction algorithms are not available or were not evaluated, and the functional significance of this variant is currently unknown. In summary, the available evidence is currently insufficient to determine the role of this variant in disease. Therefore, it has been classified as a Variant of Uncertain Significance.

NM_005802.5(TOPORS):c.2989G>C (p.Asp997His)

Gene: TOPORS (TOP1 binding arginine/serine rich protein, E3 ubiquitin ligase; minus strand). Cytogenetic location: 9p21.1.
Variant type: single nucleotide variant.
Coding change: c.2989G>C on transcript NM_005802.5 (MANE Select); coding-DNA position 2989, G replaced by C.
Protein change: p.Asp997His; replaces aspartic acid 997 with histidine.
Molecular consequence: missense variant.
Genome position (GRCh38, 1-based): chr9:32,541,536, C>G on the plus strand (G>C on the coding strand, the complement: TOPORS is on the minus strand). VCF-style: chr9-32541536-C-G. GRCh37 (hg19) VCF-style: chr9-32541534-C-G.
Other names: c.2794G>C, p.Asp932His (NM_001195622.2); short protein forms D932H, D997H.
Identifiers: ClinVar variation 3675568 (VCV003675568.2).